The following is an entry in ClinVar:

ClinVar aggregate classification (germline): Pathogenic. Review status: reviewed by expert panel (3 of 4 stars). 2 submissions from 2 submitters: Pathogenic (1). 1 of the submissions does not count toward it. Last evaluated 2023-11-16.

Conditions:
Marfan syndrome (MFS). Also called: Marfan syndrome type 1; Marfan syndrome, classic; Marfan's syndrome; FBN1-Related Marfan Syndrome; MARFAN SYNDROME, TYPE I. Identifiers: Orphanet 284963, Orphanet 558, MedGen C0024796, MONDO:0007947, OMIM 154700.

Submissions (2):

ClinGen FBN1 Variant Curation Expert Panel, ClinGen
Classification: Pathogenic for Marfan syndrome. Last evaluated: 2023-11-16. Review status: reviewed by expert panel. Criteria: Assertion Criteria VCEP FBN1 Version 1. Collection method: curation. Allele origin: germline. Inheritance: Autosomal dominant inheritance.
Comment: NM_00138 c.989-1G>C in FBN1 is a splice site variant predicted to affect an acceptor splice site in intron 8 of the gene. Experimental cDNA sequencing studies have demonstrated that this variant disrupts mRNA splicing, causing the in-frame deletion of exon 9 and resulting in abnormal protein product (PVS1_strong; PMID: 15241795). This variant was found in one proband (reported twice in the literature) meeting the revised Ghent criteria for clinical diagnoses of Marfan syndrome (PP4; PMIDs: 15241795, 24161884); in one family, the variant was found to segregate with features of Marfan syndrome in at least 10 family members (PP1_strong; PMID: 15241795This variant has been reported 1 time in ClinVar as pathogenic (Variation ID: 549476). It is not present in gnomAD (PM2_supporting). In summary, this variant meets criteria to be classified as pathogenic for Marfan syndrome based on the ACMG/AMP criteria applied, as specified by the ClinGen FBN1 VCEP: PVS1_strong, PP1_strong, PM2_supporting, PP4.

Center for Medical Genetics Ghent, University of Ghent
Classification: Pathogenic for Marfan syndrome. Last evaluated: 2017-11-07. Review status: no assertion criteria provided. Collection method: clinical testing. Allele origin: germline. Affected: yes. Not counted in ClinVar's aggregate classification.

NM_000138.5(FBN1):c.989-1G>C

Genes: FBN1 (fibrillin 1; minus strand), LOC113939944 (Sharpr-MPRA regulatory region 9539; plus strand). Cytogenetic location: 15q21.1.
Variant type: single nucleotide variant.
Coding change: c.989-1G>C on transcript NM_000138.5 (MANE Select); the canonical splice acceptor site of the intron before coding-DNA position 989, G replaced by C.
Molecular consequence: splice acceptor variant.
Genome position (GRCh38, 1-based): chr15:48,520,818, C>G on the plus strand (G>C on the coding strand, the complement: FBN1 is on the minus strand). VCF-style: chr15-48520818-C-G. GRCh37 (hg19) VCF-style: chr15-48813015-C-G.
Other names: c.989-1G>C (NM_001406716.1).
Identifiers: ClinVar variation 549476 (VCV000549476.2), dbSNP rs1555400616, ClinGen allele CA392347946.